The following is an entry in ClinVar:

NM_014845.6(FIG4):c.824G>A (p.Arg275Lys)

Gene: FIG4 (FIG4 phosphoinositide 5-phosphatase; plus strand). Cytogenetic location: 6q21.
Variant type: single nucleotide variant.
Coding change: c.824G>A on transcript NM_014845.6 (MANE Select); coding-DNA position 824, G replaced by A.
Protein change: p.Arg275Lys; replaces arginine 275 with lysine.
Molecular consequence: missense variant.
Genome position (GRCh38, 1-based): chr6:109,741,492, G>A. VCF-style: chr6-109741492-G-A. GRCh37 (hg19) VCF-style: chr6-110062695-G-A.
Other names: short protein forms R275K.
Identifiers: ClinVar variation 4996750 (VCV004996750.1).

ClinVar aggregate classification (germline): Uncertain significance (1 of 4 stars; one submission).

Conditions:
FIG4-related disorder. Also called: FIG4-related condition; FIG4-related disorders.

gnomAD v4.1: 1 of 1,613,512 alleles (0.000062%); highest among the groups gnomAD compares: South Asian, 0.0011%; no homozygotes.

Submission:

PreventionGenetics, part of Exact Sciences
Classification: Uncertain significance for FIG4-related condition. Last evaluated: 2026-08-15. Review status: criteria provided, single submitter. Criteria: ACMG Guidelines, 2015. Collection method: clinical testing. Allele origin: germline.
Comment: The FIG4 c.824G>A variant is predicted to result in the amino acid substitution p.Arg275Lys. To our knowledge, this variant has not been reported in the literature. This variant is reported in 0.0033% of alleles in individuals of South Asian descent in gnomAD. This variant is predicted to alter splicing based on available splicing prediction programs (SpliceAI, Jaganathan et al. 2019. PubMed ID: 30661751). However, the use of computer prediction programs is not equivalent to functional evidence. At this time, the clinical significance of this variant is uncertain due to the absence of conclusive functional and genetic evidence.